The following is an entry in ClinVar:

ClinVar aggregate classification (germline): Uncertain significance (1 of 4 stars; one submission).

Conditions:
Inborn genetic diseases. Identifiers: MedGen C0950123, MeSH D030342.

Submission:

Ambry Genetics
Classification: Uncertain significance for Inborn genetic diseases. Last evaluated: 2025-06-08. Review status: criteria provided, single submitter. Criteria: Ambry Variant Classification Scheme 2023. Collection method: clinical testing. Allele origin: germline.
Comment: The p.L386F variant (also known as c.1158G>C), located in coding exon 12 of the ASXL1 gene, results from a G to C substitution at nucleotide position 1158. The leucine at codon 386 is replaced by phenylalanine, an amino acid with highly similar properties. This amino acid position is conserved. In addition, this alteration is predicted to be tolerated by in silico analysis. Based on the available evidence, the clinical significance of this variant remains unclear.

NM_015338.6(ASXL1):c.1158G>C (p.Leu386Phe)

Gene: ASXL1 (ASXL transcriptional regulator 1; plus strand). Cytogenetic location: 20q11.21.
Variant type: single nucleotide variant.
Coding change: c.1158G>C on transcript NM_015338.6 (MANE Select); coding-DNA position 1158, G replaced by C.
Protein change: p.Leu386Phe; replaces leucine 386 with phenylalanine.
Molecular consequence: missense variant.
Genome position (GRCh38, 1-based): chr20:32,433,356, G>C. VCF-style: chr20-32433356-G-C. GRCh37 (hg19) VCF-style: chr20-31021159-G-C.
Other names: c.975G>C, p.Leu325Phe (NM_001363734.1); short protein forms L386F, L325F.
Identifiers: ClinVar variation 3957734 (VCV003957734.1).